The following is an entry in ClinVar:

ClinVar aggregate classification (germline): Conflicting classifications of pathogenicity. Review status: criteria provided, conflicting classifications (1 of 4 stars). 8 submissions from 8 submitters: Uncertain significance (3); Likely benign (4). 1 of the submissions does not count toward it. Last evaluated 2026-09-01.

Conditions:
Inborn genetic diseases. Identifiers: MedGen C0950123, MeSH D030342.
Hereditary sensory and autonomic neuropathy type 6. Also called: HSAN VI; Neuropathy, hereditary sensory and autonomic, type VI. Identifiers: Orphanet 314381, MedGen C3539003, MONDO:0013839, OMIM 614653.
Epidermolysis bullosa simplex 3, localized or generalized intermediate, with BP230 deficiency (EBS3). Also called: Epidermolysis bullosa simplex, autosomal recessive 2; Epidermolysis bullosa simplex due to BP230 deficiency. Identifiers: Orphanet 412181, MedGen C3809470, MONDO:0014180, OMIM 615425.
DST-related disorder. Also called: DST-related condition; DST-related disorders.

Allele frequency attached by ClinVar (database versions not stated): 1000 Genomes Project 30x 0.00078; gnomAD exomes 0.00110; TOPMed 0.00098; ExAC 0.00118; ESP Exome Variant Server 0.00051; 1000 Genomes Project 0.00080; gnomAD 0.00102.

Submissions (8):

CeGaT Center for Human Genetics Tuebingen
Classification: Likely benign. Last evaluated: 2026-09-01. Review status: criteria provided, single submitter. Criteria: CeGaT Center For Human Genetics Tuebingen Variant Classification Criteria Version 2. Collection method: clinical testing. Allele origin: germline. Affected: yes. Observed: 3 variant alleles.
Comment: DST: BP4

Labcorp Genetics (formerly Invitae), Labcorp
Classification: Likely benign for Epidermolysis bullosa simplex 3, localized or generalized intermediate, with BP230 deficiency; Hereditary sensory and autonomic neuropathy type 6. Last evaluated: 2026-01-11. Review status: criteria provided, single submitter. Criteria: Invitae Variant Classification Sherloc (09022015). Collection method: clinical testing. Allele origin: germline.

Mayo Clinic Laboratories, Mayo Clinic
Classification: Likely benign. Last evaluated: 2025-09-05. Review status: criteria provided, single submitter. Criteria: ACMG Guidelines, 2015. Collection method: clinical testing. Allele origin: germline. Observed: 9 variant alleles.
Comment: BS1, BP4_moderate

Blueprint Genetics
Classification: Uncertain significance. Last evaluated: 2024-11-21. Review status: criteria provided, single submitter. Criteria: ACMG Guidelines, 2015. Collection method: clinical testing. Allele origin: germline.

GeneDx
Classification: Uncertain significance. Last evaluated: 2024-09-04. Review status: criteria provided, single submitter. Criteria: GeneDx Variant Classification Process June 2021. Collection method: clinical testing. Allele origin: germline. Affected: yes.
Comment: In silico analysis supports that this missense variant has a deleterious effect on protein structure/function; Has not been previously published as pathogenic or benign in association with a DST-related disorder to our knowledge; Reported using an alternate transcript (non-epithelial isoform) of the gene; This variant is associated with the following publications: (PMID: 36140714)

Ambry Genetics
Classification: Uncertain significance for Inborn genetic diseases. Last evaluated: 2022-01-27. Review status: criteria provided, single submitter. Criteria: Ambry Variant Classification Scheme 2023. Collection method: clinical testing. Allele origin: germline.
Comment: The p.S3380C variant (also known as c.10138A>T), located in coding exon 55 of the DST gene, results from an A to T substitution at nucleotide position 10138. The serine at codon 3380 is replaced by cysteine, an amino acid with dissimilar properties. This amino acid position is poorly conserved in available vertebrate species. In addition, this alteration is predicted to be tolerated by in silico analysis. Since supporting evidence is limited at this time, the clinical significance of this alteration remains unclear.

Breakthrough Genomics
Classification: Likely benign. Review status: criteria provided, single submitter. Criteria: ACMG Guidelines, 2015. Collection method: not provided. Allele origin: germline. Inheritance: Autosomal recessive inheritance. Affected: yes.

PreventionGenetics, part of Exact Sciences
Classification: Likely benign for DST-related condition. Last evaluated: 2024-03-21. Review status: no assertion criteria provided. Collection method: clinical testing. Allele origin: germline. Not counted in ClinVar's aggregate classification.
Comment: This variant is classified as likely benign based on ACMG/AMP sequence variant interpretation guidelines (Richards et al. 2015 PMID: 25741868, with internal and published modifications).

NM_001374736.1(DST):c.16495A>T (p.Ser5499Cys)

Gene: DST (dystonin; minus strand). Cytogenetic location: 6p12.1.
Variant type: single nucleotide variant.
Coding change: c.16495A>T on transcript NM_001374736.1 (MANE Select); coding-DNA position 16495, A replaced by T.
Protein change: p.Ser5499Cys; replaces serine 5499 with cysteine.
Molecular consequence: missense variant.
Genome position (GRCh38, 1-based): chr6:56,552,297, T>A on the plus strand (A>T on the coding strand, the complement: DST is on the minus strand). VCF-style: chr6-56552297-T-A. GRCh37 (hg19) VCF-style: chr6-56417095-T-A.
Other names: p.Ser2876Cys; c.10138A>T, p.Ser3380Cys (NM_001144769.5); c.9724A>T, p.Ser3242Cys (NM_001144770.2); c.16495A>T, p.Ser5499Cys (NM_001374722.1); c.15862A>T, p.Ser5288Cys (NM_001374729.1); c.9604A>T, p.Ser3202Cys (NM_001374730.1, NM_001386100.1, NM_183380.4); c.16522A>T, p.Ser5508Cys (NM_001374734.1); c.8626A>T, p.Ser2876Cys (NM_015548.5); short protein forms S3380C, S5288C, S3202C, S5499C, S5508C, S2876C, S3242C.
Identifiers: ClinVar variation 795733 (VCV000795733.42), dbSNP rs180765536, ClinGen allele CA3867674.